The following is an entry in ClinVar:

ClinVar aggregate classification (germline): Uncertain significance (1 of 4 stars; one submission).

Allele frequency attached by ClinVar (database versions not stated): gnomAD exomes below 0.00001.
gnomAD v4.1: 2 of 1,563,706 alleles (0.00013%); highest among the groups gnomAD compares: Non-Finnish European, 0.00017%; no homozygotes.

Submission:

Labcorp Genetics (formerly Invitae), Labcorp
Classification: Uncertain significance. Last evaluated: 2021-07-13. Review status: criteria provided, single submitter. Criteria: Invitae Variant Classification Sherloc (09022015). Collection method: clinical testing. Allele origin: germline.
Comment: This sequence change replaces valine with isoleucine at codon 11 of the SRP72 protein (p.Val11Ile). The valine residue is moderately conserved and there is a small physicochemical difference between valine and isoleucine. This variant is not present in population databases (ExAC no frequency). This variant has not been reported in the literature in individuals affected with SRP72-related conditions. Algorithms developed to predict the effect of missense changes on protein structure and function (SIFT, PolyPhen-2, Align-GVGD) all suggest that this variant is likely to be tolerated. In summary, the available evidence is currently insufficient to determine the role of this variant in disease. Therefore, it has been classified as a Variant of Uncertain Significance.

NM_006947.4(SRP72):c.31G>A (p.Val11Ile)

Genes: SRP72 (signal recognition particle 72; plus strand), LOC129992625 (ATAC-STARR-seq lymphoblastoid active region 21580; plus strand). Cytogenetic location: 4q12.
Variant type: single nucleotide variant.
Coding change: c.31G>A on transcript NM_006947.4 (MANE Select); coding-DNA position 31, G replaced by A.
Protein change: p.Val11Ile; replaces valine 11 with isoleucine.
Molecular consequence: missense variant. On other transcripts: non-coding transcript variant (1).
Genome position (GRCh38, 1-based): chr4:56,467,666, G>A. VCF-style: chr4-56467666-G-A. GRCh37 (hg19) VCF-style: chr4-57333832-G-A.
Other names: c.31G>A, p.Val11Ile (NM_001267722.2); short protein forms V11I.
Identifiers: ClinVar variation 1464601 (VCV001464601.8), dbSNP rs934737072, ClinGen allele CA97581388.